The following is an entry in ClinVar:

ClinVar aggregate classification (germline): Likely pathogenic (1 of 4 stars; one submission).

Conditions:
Severe early-childhood-onset retinal dystrophy (STGD1). Also called: Stargardt macular dystrophy; Juvenile onset macular degeneration; Stargardt disease 1; MACULAR DYSTROPHY WITH FLECKS, TYPE 1; STGD. Identifiers: Orphanet 364055, Orphanet 827, MedGen C1855465, MeSH D000080362, MONDO:0009549, OMIM 248200.

Submission:

Department of Molecular Genetics, Istishari Arab Hospital
Classification: Likely pathogenic for Severe early-childhood-onset retinal dystrophy. Last evaluated: 2026-07-05. Review status: criteria provided, single submitter. Criteria: ACMG Guidelines, 2015. Collection method: clinical testing. Allele origin: germline. Inheritance: Autosomal recessive inheritance. Affected: yes.
Comment: The ABCA4 variant c.5691G>C, p.Gln1897His causes an amino acid change from Gln to His at position 1897 in exon 40 (out of 50 exons). The variant is not observed in the gnomAD v4.1.0 dataset, and to the best of our knowledge, it was not previously reported in the literature. Another same amino acid change, c.5691G>T p.Gln1897His, was previously reported as pathogenic in patients with ABCA4-related disorders (VCV001000328.9). This variant is classified as likely pathogenic based on ACMG/AMP/ClinGen SVI guidelines.

NM_000350.3(ABCA4):c.5691G>C (p.Gln1897His)

Gene: ABCA4 (ATP binding cassette subfamily A member 4; minus strand). Cytogenetic location: 1p22.1.
Variant type: single nucleotide variant.
Coding change: c.5691G>C on transcript NM_000350.3 (MANE Select); coding-DNA position 5691, G replaced by C.
Protein change: p.Gln1897His; replaces glutamine 1897 with histidine.
Molecular consequence: missense variant.
Genome position (GRCh38, 1-based): chr1:94,010,823, C>G on the plus strand (G>C on the coding strand, the complement: ABCA4 is on the minus strand). VCF-style: chr1-94010823-C-G. GRCh37 (hg19) VCF-style: chr1-94476379-C-G.
Other names: p.Gln1897His; c.5469G>C, p.Gln1823His (NM_001425324.1); short protein forms Q1823H, Q1897H.
Identifiers: ClinVar variation 4857606 (VCV004857606.1).